The following is an entry in ClinVar:

ClinVar aggregate classification (germline): Uncertain significance (1 of 4 stars; one submission).

gnomAD v4.1: 1 of 1,611,204 alleles (0.000062%); highest among the groups gnomAD compares: Non-Finnish European, 0.000085%; no homozygotes.

Submission:

GeneDx
Classification: Uncertain significance. Last evaluated: 2020-01-28. Review status: criteria provided, single submitter. Criteria: GeneDx Variant Classification Process June 2021. Collection method: clinical testing. Allele origin: germline. Affected: yes.
Comment: Not observed in large population cohorts (Lek et al., 2016); In silico analysis, which includes protein predictors and evolutionary conservation, supports a deleterious effect; Has not been previously published as pathogenic or benign to our knowledge

NM_014363.6(SACS):c.7763T>C (p.Leu2588Pro)

Gene: SACS (sacsin molecular chaperone; minus strand). Cytogenetic location: 13q12.12.
Variant type: single nucleotide variant.
Coding change: c.7763T>C on transcript NM_014363.6 (MANE Select); coding-DNA position 7763, T replaced by C.
Protein change: p.Leu2588Pro; replaces leucine 2588 with proline.
Molecular consequence: missense variant.
Genome position (GRCh38, 1-based): chr13:23,336,113, A>G on the plus strand (T>C on the coding strand, the complement: SACS is on the minus strand). VCF-style: chr13-23336113-A-G. GRCh37 (hg19) VCF-style: chr13-23910252-A-G.
Other names: c.7322T>C, p.Leu2441Pro (NM_001278055.2); short protein forms L2441P, L2588P.
Identifiers: ClinVar variation 1313866 (VCV001313866.2), dbSNP rs1555251328, ClinGen allele CA387518296.